The following is an entry in ClinVar:

ClinVar aggregate classification (germline): Uncertain significance. Review status: criteria provided, multiple submitters, no conflicts (2 of 4 stars). 2 submissions from 2 submitters: Uncertain significance (2). Last evaluated 2024-10-05.

Conditions:
Hereditary cancer-predisposing syndrome. Also called: Neoplastic Syndromes, Hereditary; Hereditary Cancer Syndrome; Hereditary neoplastic syndrome; Tumor predisposition. Identifiers: Orphanet 140162, MedGen C0027672, MeSH D009386, MONDO:0015356.
Hereditary breast ovarian cancer syndrome. Also called: Hereditary breast and ovarian cancer syndrome (HBOC); Breast and ovarian cancer; Hereditary breast and/or ovarian cancer syndrome; Hereditary breast and ovarian cancer; BRCA1- and BRCA2-Associated Hereditary Breast and Ovarian Cancer; Hereditary breast and ovarian cancer syndrome. Identifiers: Orphanet 145, MedGen C0677776, MeSH D061325, MONDO:0003582. Disease mechanism: loss of function.

Allele frequency attached by ClinVar (database versions not stated): gnomAD exomes below 0.00001.
gnomAD v4.1: 2 of 1,613,656 alleles (0.00012%); highest among the groups gnomAD compares: Non-Finnish European, 0.00017%; no homozygotes.

Submissions (2):

Labcorp Genetics (formerly Invitae), Labcorp
Classification: Uncertain significance for Hereditary breast ovarian cancer syndrome. Last evaluated: 2024-10-05. Review status: criteria provided, single submitter. Criteria: Invitae Variant Classification Sherloc (09022015). Collection method: clinical testing. Allele origin: germline.
Comment: This sequence change replaces serine, which is neutral and polar, with arginine, which is basic and polar, at codon 1461 of the BRCA1 protein (p.Ser1461Arg). This variant is not present in population databases (gnomAD no frequency). This variant has not been reported in the literature in individuals affected with BRCA1-related conditions. ClinVar contains an entry for this variant (Variation ID: 96932). Invitae Evidence Modeling of protein sequence and biophysical properties (such as structural, functional, and spatial information, amino acid conservation, physicochemical variation, residue mobility, and thermodynamic stability) indicates that this missense variant is not expected to disrupt BRCA1 protein function with a negative predictive value of 80%. In summary, the available evidence is currently insufficient to determine the role of this variant in disease. Therefore, it has been classified as a Variant of Uncertain Significance.

Ambry Genetics
Classification: Uncertain significance for Hereditary cancer-predisposing syndrome. Last evaluated: 2023-06-25. Review status: criteria provided, single submitter. Criteria: Ambry Variant Classification Scheme 2023. Collection method: clinical testing. Allele origin: germline.
Comment: The p.S1461R variant (also known as c.4383T>A), located in coding exon 12 of the BRCA1 gene, results from a T to A substitution at nucleotide position 4383. The serine at codon 1461 is replaced by arginine, an amino acid with dissimilar properties. This amino acid position is conserved. In addition, this alteration is predicted to be tolerated by in silico analysis. Since supporting evidence is limited at this time, the clinical significance of this alteration remains unclear.

NM_007294.4(BRCA1):c.4383T>A (p.Ser1461Arg)

Gene: BRCA1 (BRCA1 DNA repair associated; minus strand). Cytogenetic location: 17q21.31.
Variant type: single nucleotide variant.
Coding change: c.4383T>A on transcript NM_007294.4 (MANE Select); coding-DNA position 4383, T replaced by A.
Protein change: p.Ser1461Arg; replaces serine 1461 with arginine.
Molecular consequence: missense variant. On other transcripts: non-coding transcript variant (1).
Genome position (GRCh38, 1-based): chr17:43,076,589, A>T on the plus strand (T>A on the coding strand, the complement: BRCA1 is on the minus strand). VCF-style: chr17-43076589-A-T. GRCh37 (hg19) VCF-style: chr17-41228606-A-T.
Other names: S146R; 4502T>A; c.4239T>A, p.Ser1413Arg (NM_001407735.1, NM_001407736.1, NM_001407737.1 and 21 more transcripts); c.4236T>A, p.Ser1412Arg (NM_001407838.1, NM_001407839.1, NM_001407841.1 and 12 more transcripts); c.4383T>A, p.Ser1461Arg (NM_001407854.1, NM_001407593.1, NM_001407594.1 and 8 more transcripts); c.4380T>A, p.Ser1460Arg (NM_001407858.1, NM_001407859.1, NM_001407860.1 and 17 more transcripts); c.4377T>A, p.Ser1459Arg (NM_001407861.1, NM_001407627.1, NM_001407628.1 and 14 more transcripts); c.4182T>A, p.Ser1394Arg (NM_001407862.1); and 70 more; short protein forms S1461R, S1482R, S1414R, S357R, S1334R, S1371R, S1373R, S1394R.
Identifiers: ClinVar variation 96932 (VCV000096932.13), dbSNP rs431825408, ClinGen allele CA002810.